The following is an entry in ClinVar:

NM_001033855.3(DCLRE1C):c.678+5G>A

Gene: DCLRE1C (DNA cross-link repair 1C; minus strand). Cytogenetic location: 10p13.
Variant type: single nucleotide variant.
Coding change: c.678+5G>A on transcript NM_001033855.3 (MANE Select); 5 bases into the intron after coding-DNA position 678, G replaced by A.
Molecular consequence: intron variant.
Genome position (GRCh38, 1-based): chr10:14,934,375, C>T on the plus strand (G>A on the coding strand, the complement: DCLRE1C is on the minus strand). VCF-style: chr10-14934375-C-T. GRCh37 (hg19) VCF-style: chr10-14976374-C-T.
Other names: c.333+5G>A (NM_001350966.2, NM_001289078.2, NM_001289076.2 and 1 more transcripts); c.678+5G>A (NM_001350965.2); c.318+5G>A (NM_001350967.2, NM_001289077.2, NM_001289079.2 and 2 more transcripts).
Identifiers: ClinVar variation 574359 (VCV000574359.9), dbSNP rs750695358, ClinGen allele CA5416757.

ClinVar aggregate classification (germline): Conflicting classifications of pathogenicity. Review status: criteria provided, conflicting classifications (1 of 4 stars). 5 submissions from 5 submitters: Uncertain significance (2); Likely benign (2). 1 of the submissions does not count toward it. Last evaluated 2025-09-08.

Conditions:
Athabaskan severe combined immunodeficiency (SCIDA). Also called: Severe combined immunodeficiency, athabascan-type. Identifiers: MedGen C1865370.
Severe combined immunodeficiency due to DCLRE1C deficiency (RS-SCID). Also called: SCID, AUTOSOMAL RECESSIVE, T CELL-NEGATIVE, B CELL-NEGATIVE, NK CELL-POSITIVE, WITH SENSITIVITY TO IONIZING RADIATION. Identifiers: Orphanet 275, MedGen C1865371, MONDO:0011225, OMIM 602450.
DCLRE1C-related disorder. Also called: DCLRE1C-related condition.
Histiocytic medullary reticulosis. Also called: Omenn syndrome; SEVERE COMBINED IMMUNODEFICIENCY WITH HYPEREOSINOPHILIA. Identifiers: Orphanet 39041, MedGen C2700553, MONDO:0011338, OMIM 603554.

Allele frequency attached by ClinVar (database versions not stated): TOPMed 0.00002.
gnomAD v4.1: 57 of 1,613,510 alleles (0.0035%); highest among the groups gnomAD compares: Middle Eastern, 0.083%; 1 homozygote.

Submissions (5):

PreventionGenetics, part of Exact Sciences
Classification: Likely benign for DCLRE1C-related condition. Last evaluated: 2025-09-08. Review status: criteria provided, single submitter. Criteria: ACMG Guidelines, 2015. Collection method: clinical testing. Allele origin: germline.
Comment: This variant is classified as likely benign based on ACMG/AMP sequence variant interpretation guidelines (Richards et al. 2015 PMID: 25741868, with internal and published modifications).

Blueprint Genetics
Classification: Likely benign. Last evaluated: 2024-08-16. Review status: criteria provided, single submitter. Criteria: ACMG Guidelines, 2015. Collection method: clinical testing. Allele origin: germline.

Labcorp Genetics (formerly Invitae), Labcorp
Classification: Uncertain significance for Athabaskan severe combined immunodeficiency. Last evaluated: 2022-10-05. Review status: criteria provided, single submitter. Criteria: Invitae Variant Classification Sherloc (09022015). Collection method: clinical testing. Allele origin: germline.
Comment: This sequence change falls in intron 8 of the DCLRE1C gene. It does not directly change the encoded amino acid sequence of the DCLRE1C protein. It affects a nucleotide within the consensus splice site. This variant is present in population databases (rs750695358, gnomAD 0.02%). This variant has not been reported in the literature in individuals affected with DCLRE1C-related conditions. ClinVar contains an entry for this variant (Variation ID: 574359). Variants that disrupt the consensus splice site are a relatively common cause of aberrant splicing (PMID: 17576681, 9536098). Algorithms developed to predict the effect of sequence changes on RNA splicing suggest that this variant is not likely to affect RNA splicing. In summary, the available evidence is currently insufficient to determine the role of this variant in disease. Therefore, it has been classified as a Variant of Uncertain Significance.

Center for Genomics, Ann and Robert H. Lurie Children's Hospital of Chicago
Classification: Uncertain significance for Histiocytic medullary reticulosis; Severe combined immunodeficiency due to DCLRE1C deficiency. Review status: criteria provided, single submitter. Criteria: ACMG Guidelines, 2015. Collection method: clinical testing. Allele origin: germline.
Comment: DCLRE1C NM_001033855.1 intron 8 c.678+5G>A: This variant has not been reported in the literature but is present in 0.002% (2/67870) of European alleles in the Genome Aggregation Database. This variant is present in ClinVar (Variation ID:574359). Evolutionary conservation and computational predictive tools for this variant are limited or unavailable. This variant is an intronic variant with no predicted change in the amino acid sequence but may have an unknown effect on splicing. Computational prediction tools do not suggest that it alters splicing. However, further studies are needed to understand its impact. In summary, data on this variant is insufficient for disease classification. Therefore, the clinical significance of this variant is uncertain.

Natera, Inc.
Classification: Uncertain significance for Athabascan severe combined immunodeficiency. Last evaluated: 2019-10-28. Review status: no assertion criteria provided. Collection method: clinical testing. Allele origin: germline. Not counted in ClinVar's aggregate classification.

Literature cited by the submitters: PubMed 17576681 (cited by Labcorp Genetics (formerly Invitae), Labcorp); PubMed 9536098 (cited by Labcorp Genetics (formerly Invitae), Labcorp).